The following is an entry in ClinVar:

NM_000116.5(TAFAZZIN):c.92A>G (p.Tyr31Cys)

Genes: DNASE1L1 (deoxyribonuclease 1 like 1; minus strand), TAFAZZIN (tafazzin, phospholipid-lysophospholipid transacylase; plus strand), LOC130068869 (ATAC-STARR-seq lymphoblastoid silent region 21101; plus strand). Cytogenetic location: Xq28.
Variant type: single nucleotide variant.
Coding change: c.92A>G on transcript NM_000116.5 (MANE Select); coding-DNA position 92, A replaced by G.
Protein change: p.Tyr31Cys; replaces tyrosine 31 with cysteine.
Molecular consequence: missense variant. On other transcripts: non-coding transcript variant (1), 5 prime UTR variant (3).
Genome position (GRCh38, 1-based): chrX:154,411,935, A>G. VCF-style: chrX-154411935-A-G. GRCh37 (hg19) VCF-style: chrX-153640272-A-G.
Other names: c.92A>G, p.Tyr31Cys (NM_001440857.1, NM_001440858.1, NM_181311.4 and 5 more transcripts); c.-475T>C (NM_001009932.3); c.-217T>C (NM_001009933.3); c.-132T>C (NM_001009934.3); short protein forms Y31C.
Identifiers: ClinVar variation 2036724 (VCV002036724.4), dbSNP rs2522920242, ClinGen allele CA415178529.
Genomic context (GRCh38, chrX:154,411,935, plus strand): 5'-CGGTGCCGCCGCTCACCTGGACCCTGGCCAGCAGCGTCGTCATGGGCTTGGTGGGCACCT[A>G]CAGCTGCTTCTGGACCAGTGAGTGGGCCCAGGCCGAGGCAGGCCCGCCCGGGTACCCATG-3'
Protein context (NP_000107.1, residues 21-41): SSVVMGLVGT[Tyr31Cys]SCFWTKYMNH

ClinVar aggregate classification (germline): Uncertain significance (1 of 4 stars; one submission).

Conditions:
3-Methylglutaconic aciduria type 2 (BTHS). Also called: CARDIOSKELETAL MYOPATHY WITH NEUTROPENIA AND ABNORMAL MITOCHONDRIA; Barth syndrome. Identifiers: Orphanet 111, MedGen C0574083, MONDO:0010543, OMIM 302060.

Submission:

Labcorp Genetics (formerly Invitae), Labcorp
Classification: Uncertain significance for 3-Methylglutaconic aciduria type 2. Last evaluated: 2022-10-25. Review status: criteria provided, single submitter. Criteria: Invitae Variant Classification Sherloc (09022015). Collection method: clinical testing. Allele origin: germline.
Comment: In summary, the available evidence is currently insufficient to determine the role of this variant in disease. Therefore, it has been classified as a Variant of Uncertain Significance. Algorithms developed to predict the effect of missense changes on protein structure and function are either unavailable or do not agree on the potential impact of this missense change (SIFT: "Not Available"; PolyPhen-2: "Benign"; Align-GVGD: "Not Available"). This variant has not been reported in the literature in individuals affected with TAZ-related conditions. This variant is not present in population databases (gnomAD no frequency). This sequence change replaces tyrosine, which is neutral and polar, with cysteine, which is neutral and slightly polar, at codon 31 of the TAZ protein (p.Tyr31Cys).